The following is an entry in ClinVar:

NC_000018.9:g.(?_25532117)_(25756986_?)dup

Gene: CDH2 (cadherin 2; minus strand). Cytogenetic location: 18q12.1.
Variant type: Duplication.
Identifiers: ClinVar variation 2424237 (VCV002424237.4).

ClinVar aggregate classification (germline): Uncertain significance (1 of 4 stars; one submission).

Submission:

Labcorp Genetics (formerly Invitae), Labcorp
Classification: Uncertain significance. Last evaluated: 2022-05-19. Review status: criteria provided, single submitter. Criteria: Invitae Variant Classification Sherloc (09022015). Collection method: clinical testing. Allele origin: germline.
Comment: A copy number gain of the genomic region encompassing the full coding sequence of the CDH2 gene has been identified. The boundaries of this event are unknown as they extend beyond the assayed region for this gene and therefore may encompass additional genes. As the precise location of this event is unknown, it may be in tandem or it may be located elsewhere in the genome. This variant has not been reported in the literature in individuals affected with CDH2-related conditions. In summary, the available evidence is currently insufficient to determine the role of this variant in disease. Therefore, it has been classified as a Variant of Uncertain Significance.